The following is an entry in ClinVar:

NM_001918.5(DBT):c.670G>T (p.Glu224Ter)

Gene: DBT (dihydrolipoamide branched chain transacylase E2; minus strand). Cytogenetic location: 1p21.2.
Variant type: single nucleotide variant.
Coding change: c.670G>T on transcript NM_001918.5 (MANE Select); coding-DNA position 670, G replaced by T.
Protein change: p.Glu224Ter; replaces glutamic acid 224 with a stop codon.
Molecular consequence: nonsense.
Genome position (GRCh38, 1-based): chr1:100,216,085, C>A on the plus strand (G>T on the coding strand, the complement: DBT is on the minus strand). VCF-style: chr1-100216085-C-A. GRCh37 (hg19) VCF-style: chr1-100681641-C-A.
Other names: c.670G>T (NM_001918.4); short protein forms E224*.
Identifiers: ClinVar variation 94009 (VCV000094009.35), dbSNP rs74103423, ClinGen allele CA221900.

ClinVar aggregate classification (germline): Pathogenic. Review status: criteria provided, multiple submitters, no conflicts (2 of 4 stars). 13 submissions from 12 submitters: Pathogenic (12). 1 of the submissions does not count toward it. Last evaluated 2026-01-20.

Conditions:
Maple syrup urine disease type 2 (MSUD2). Also called: Maple syrup urine disease, type II. Identifiers: MedGen C1855371, MONDO:0023693, OMIM 620699.
Maple syrup urine disease type 1A (MSUD1A). Also called: MSUD type 1A. Identifiers: MedGen C1855369, MONDO:0023691, OMIM 248600.
Maple syrup urine disease (MSUD). Identifiers: Orphanet 511, MedGen C0024776, MeSH D008375, MONDO:0009563. Disease mechanism: loss of function.

Allele frequency attached by ClinVar (database versions not stated): gnomAD exomes 0.00002 and 0.00006; ExAC 0.00009; ESP Exome Variant Server 0.00015; TOPMed 0.00016; gnomAD 0.00022 and 0.00025; 1000 Genomes Project 30x 0.00109; 1000 Genomes Project 0.00120.
gnomAD v4.1: 60 of 1,613,696 alleles (0.0037%); highest among the groups gnomAD compares: African/African-American, 0.079%; no homozygotes.

Submissions (13):

Labcorp Genetics (formerly Invitae), Labcorp
Classification: Pathogenic for Maple syrup urine disease. Last evaluated: 2026-01-20. Review status: criteria provided, single submitter. Criteria: Invitae Variant Classification Sherloc (09022015). Collection method: clinical testing. Allele origin: germline.
Comment: This sequence change creates a premature translational stop signal (p.Glu224*) in the DBT gene. It is expected to result in an absent or disrupted protein product. Loss-of-function variants in DBT are known to be pathogenic (PMID: 16579849, 16786533). This variant is present in population databases (rs74103423, gnomAD 0.1%). This premature translational stop signal has been observed in individuals with maple syrup urine disease (PMID: 8430702). ClinVar contains an entry for this variant (Variation ID: 94009). For these reasons, this variant has been classified as Pathogenic.

Immunogenetics and Transplant Biology Service, University Hospital "Città della Salute e della Scienza di Torino"
Classification: Pathogenic for Maple syrup urine disease type 2. Last evaluated: 2025-06-28. Review status: criteria provided, single submitter. Criteria: ACMG Guidelines, 2015. Collection method: clinical testing. Allele origin: germline. Affected: yes.

3billion
Classification: Pathogenic for Maple syrup urine disease type 2. Last evaluated: 2024-06-25. Review status: criteria provided, single submitter. Criteria: ACMG Guidelines, 2015. Collection method: clinical testing. Allele origin: germline. Affected: yes.
Comment: The variant is observed at an extremely low frequency in the gnomAD v4.0.0 dataset (total allele frequency: 0.004%). Predicted Consequence/Location: Stop-gained (nonsense): predicted to result in a loss or disruption of normal protein function through nonsense-mediated decay (NMD) or protein truncation. Multiple pathogenic variants are reported downstream of the variant. The variant has been reported at least twice as pathogenic with clinical assertions and evidence for the classification (ClinVar ID: VCV000094009 /PMID: 8430702 /3billion dataset). Therefore, this variant is classified as Pathogenic according to the recommendation of ACMG/AMP guideline.

Women's Health and Genetics/Laboratory Corporation of America, LabCorp
Classification: Pathogenic for Maple syrup urine disease. Last evaluated: 2024-06-20. Review status: criteria provided, single submitter. Criteria: LabCorp Variant Classification Summary - May 2015. Collection method: clinical testing. Allele origin: germline.
Comment: Variant summary: DBT c.670G>T (p.Glu224X) results in a premature termination codon, predicted to cause a truncation of the encoded protein or absence of the protein due to nonsense mediated decay, which are commonly known mechanisms for disease. The variant allele was found at a frequency of 6.4e-05 in 251466 control chromosomes. c.670G>T has been reported in the literature in multiple homozygous and compound heterozygous individuals affected with Maple Syrup Urine Disease (e.g., Fisher_1993). These data indicate that the variant is very likely to be associated with disease. To our knowledge, no experimental evidence demonstrating an impact on protein function has been reported. The following publication has been ascertained in the context of this evaluation (PMID: 8430702). ClinVar contains an entry for this variant (Variation ID: 94009). Based on the evidence outlined above, the variant was classified as pathogenic.

Fulgent Genetics
Classification: Pathogenic for Maple syrup urine disease type 2. Last evaluated: 2024-04-08. Review status: criteria provided, single submitter. Criteria: ACMG Guidelines, 2015. Collection method: clinical testing. Allele origin: germline.

Laboratory for Molecular Medicine, Mass General Brigham Personalized Medicine
Classification: Pathogenic for Maple syrup urine disease. Last evaluated: 2024-01-29. Review status: criteria provided, single submitter. Criteria: ACMG Guidelines, 2015. Collection method: clinical testing. Allele origin: germline. Inheritance: Autosomal recessive inheritance.
Comment: The p.Glu224X variant (also described as p.Glu163X as a legacy nomenclature) in DBT has been reported in at least 6 individuals in the homozygous or compound heterozygous state with maple syrup urine disease (MSUD), where BCKD enzyme activity was markedly reduced in at least 3 individuals (Fisher 1993 PMID: 8430702, Khalifa 2020 PMID: 32812330). This variant has also been reported by other clinical laboratories in ClinVar (Variation ID 94009) and has been identified in 0.09% (37/41420) of African chromosomes by gnomAD (v.3.1.2). This nonsense variant leads to a premature termination codon at position 43, which is predicted to lead to a truncated or absent protein. This is corroborated by in vitro functional studies that show a truncated protein in patients with MSUD compared with full-length wildtype (Fisher 1993 PMID: 8430702). Biallelic loss of function of the DBT gene is an established disease mechanism in autosomal recessive MSUD. In summary, this variant meets criteria to be classified as pathogenic for autosomal recessive MSUD. ACMG/AMP Criteria applied: PVS1_Moderate, PM3, PS3_Supporting, PP4.

GeneDx
Classification: Pathogenic. Last evaluated: 2023-05-23. Review status: criteria provided, single submitter. Criteria: GeneDx Variant Classification Process June 2021. Collection method: clinical testing. Allele origin: germline. Affected: yes.
Comment: Functional studies demonstrate that cell lines with the E224X variant result in a markedly truncated polypeptide compared with full-length wildtype (Fisher et al., 1993); Nonsense variant predicted to result in protein truncation or nonsense mediated decay in a gene for which loss-of-function is a known mechanism of disease; This variant is associated with the following publications: (PMID: 8430702, 25087612, 25525159, 31980395, 32812330, 31589614, 31345219)

Dasa
Classification: Pathogenic for Maple syrup urine disease type 2. Last evaluated: 2022-11-03. Review status: criteria provided, single submitter. Criteria: ACMG Guidelines, 2015. Collection method: clinical testing. Allele origin: germline. Observed: 1 variant allele.
Comment: The c.670G>T;p.(Glu224*) variant creates a premature translational stop signal in the DBT gene. It is expected to result in an absent or disrupted protein product - PVS1. This sequence change has been observed in affected individual(s) and ClinVar contains an entry for this variant (ClinVar ID: 94009; PMID: 32812330) - PS4. The variant is present at low allele frequencies population databases (rs74103423 – gnomAD 0.0009193%; ABraOM 0.000427 frequency) - PM2_supporting. In summary, the currently available evidence indicates that the variant is pathogenic.

Genome-Nilou Lab
Classification: Pathogenic for Maple syrup urine disease type 1A. Last evaluated: 2021-11-07. Review status: criteria provided, single submitter. Criteria: ACMG Guidelines, 2015. Collection method: clinical testing. Allele origin: germline. Affected: no.

Revvity Omics, Revvity
Classification: Pathogenic for Maple syrup urine disease type 1A. Last evaluated: 2019-10-11. Review status: criteria provided, single submitter. Criteria: ACMG Guidelines, 2015. Collection method: clinical testing. Allele origin: germline.

Fulgent Genetics
Classification: Pathogenic for Maple syrup urine disease type 1A. Last evaluated: 2018-10-31. Review status: criteria provided, single submitter. Criteria: ACMG Guidelines, 2015. Collection method: clinical testing. Allele origin: unknown.

Eurofins Ntd Llc (ga)
Classification: Pathogenic. Last evaluated: 2013-08-23. Review status: criteria provided, single submitter. Criteria: EGL Classification Definitions. Collection method: clinical testing. Allele origin: germline. Observed: 8 variant alleles, 8 homozygotes.

Counsyl
Classification: Likely pathogenic for Maple syrup urine disease type 1A. Last evaluated: 2016-11-03. Review status: no assertion criteria provided. Collection method: clinical testing. Allele origin: unknown. Not counted in ClinVar's aggregate classification.

Literature cited by the submitters: PubMed 16579849 (cited by Labcorp Genetics (formerly Invitae), Labcorp); PubMed 16786533 (cited by Labcorp Genetics (formerly Invitae), Labcorp); PubMed 8430702 (cited by 5 submitters); PubMed 32812330 (cited by Laboratory for Molecular Medicine, Mass General Brigham Personalized Medicine and Dasa).